The following is an entry in ClinVar:

NM_001875.5(CPS1):c.1436C>T (p.Ala479Val)

Gene: CPS1 (carbamoyl-phosphate synthase 1; plus strand). Cytogenetic location: 2q34.
Variant type: single nucleotide variant.
Coding change: c.1436C>T on transcript NM_001875.5 (MANE Select); coding-DNA position 1436, C replaced by T.
Protein change: p.Ala479Val; replaces alanine 479 with valine.
Molecular consequence: missense variant. On other transcripts: non-coding transcript variant (2).
Genome position (GRCh38, 1-based): chr2:210,599,448, C>T. VCF-style: chr2-210599448-C-T. GRCh37 (hg19) VCF-style: chr2-211464172-C-T.
Other names: c.1436C>T, p.Ala479Val (NM_001122633.3, NM_001369257.1); c.1469C>T, p.Ala490Val (NM_001369256.1); short protein forms A479V, A490V.
Identifiers: ClinVar variation 2201276 (VCV002201276.2), dbSNP rs187860166, ClinGen allele CA2086363.

ClinVar aggregate classification (germline): Uncertain significance. Review status: criteria provided, multiple submitters, no conflicts (2 of 4 stars). 2 submissions from 2 submitters: Uncertain significance (2). Last evaluated 2026-07-21.

Conditions:
Congenital hyperammonemia, type I. Also called: Carbamoyl phosphate synthetase I deficiency disease; CPS I DEFICIENCY; Carbamoyl-phosphate synthase I deficiency; Carbamoyl phosphate synthetase 1 deficiency; Hyperammonemia due to carbamoyl phosphate synthetase 1 deficiency; CPS 1 deficiency. Identifiers: Orphanet 147, MedGen C4082171, MONDO:0009376, OMIM 237300.

Allele frequency attached by ClinVar (database versions not stated): TOPMed below 0.00001; gnomAD exomes 0.00002.
gnomAD v4.1: 30 of 1,612,408 alleles (0.0019%); highest among the groups gnomAD compares: African/African-American, 0.004%; no homozygotes.

Submissions (2):

Myriad Genetics, Inc.
Classification: Uncertain significance for Congenital hyperammonemia, type I. Last evaluated: 2026-07-21. Review status: criteria provided, single submitter. Criteria: Myriad Autosomal Dominant, Autosomal Recessive and X-Linked Classification Criteria (2023). Collection method: clinical testing. Allele origin: unknown.
Comment: NM_001875.4(CPS1):c.1436C>T(A479V) is a missense variant classified as a variant of uncertain significance in the context of carbamoylphosphate synthetase I deficiency. A479V has been observed in a case with relevant disease (PMID: 37986659). Relevant functional assessments of this variant are not available in the literature. A479V has been observed in referenced population frequency databases. In summary, there is insufficient evidence to classify NM_001875.4(CPS1):c.1436C>T(A479V) as pathogenic or benign. Please note: this variant was assessed in the context of healthy population screening.

Labcorp Genetics (formerly Invitae), Labcorp
Classification: Uncertain significance for Congenital hyperammonemia, type I. Last evaluated: 2022-05-17. Review status: criteria provided, single submitter. Criteria: Invitae Variant Classification Sherloc (09022015). Collection method: clinical testing. Allele origin: germline.
Comment: This sequence change replaces alanine, which is neutral and non-polar, with valine, which is neutral and non-polar, at codon 479 of the CPS1 protein (p.Ala479Val). This variant is present in population databases (rs187860166, gnomAD 0.004%). This variant has not been reported in the literature in individuals affected with CPS1-related conditions. Algorithms developed to predict the effect of missense changes on protein structure and function are either unavailable or do not agree on the potential impact of this missense change (SIFT: "Deleterious"; PolyPhen-2: "Probably Damaging"; Align-GVGD: "Class C0"). In summary, the available evidence is currently insufficient to determine the role of this variant in disease. Therefore, it has been classified as a Variant of Uncertain Significance.

Literature cited by the submitters: PubMed 37986659 (cited by Myriad Genetics, Inc.).